The following is an entry in ClinVar:

ClinVar aggregate classification (germline): Uncertain significance (1 of 4 stars; one submission).

Conditions:
Combined oxidative phosphorylation defect type 17. Also called: Combined oxidative phosphorylation deficiency 17. Identifiers: Orphanet 369913, MedGen C3809526, MONDO:0014190, OMIM 615440.

Allele frequency attached by ClinVar (database versions not stated): ExAC 0.00001; gnomAD 0.00003; TOPMed 0.00003.
gnomAD v4.1: 4 of 1,614,042 alleles (0.00025%); highest among the groups gnomAD compares: African/African-American, 0.0053%; no homozygotes.

Submission:

Labcorp Genetics (formerly Invitae), Labcorp
Classification: Uncertain significance for Combined oxidative phosphorylation defect type 17. Last evaluated: 2022-04-20. Review status: criteria provided, single submitter. Criteria: Invitae Variant Classification Sherloc (09022015). Collection method: clinical testing. Allele origin: germline.
Comment: This sequence change falls in intron 9 of the ELAC2 gene. It does not directly change the encoded amino acid sequence of the ELAC2 protein. This variant is present in population databases (rs761748475, gnomAD 0.008%). This variant has not been reported in the literature in individuals affected with ELAC2-related conditions. Algorithms developed to predict the effect of sequence changes on RNA splicing suggest that this variant may create or strengthen a splice site. In summary, the available evidence is currently insufficient to determine the role of this variant in disease. Therefore, it has been classified as a Variant of Uncertain Significance.

NM_018127.7(ELAC2):c.797+11G>C

Gene: ELAC2 (elaC ribonuclease Z 2; minus strand). Cytogenetic location: 17p12.
Variant type: single nucleotide variant.
Coding change: c.797+11G>C on transcript NM_018127.7 (MANE Select); 11 bases into the intron after coding-DNA position 797, G replaced by C.
Molecular consequence: intron variant.
Genome position (GRCh38, 1-based): chr17:13,005,910, C>G on the plus strand (G>C on the coding strand, the complement: ELAC2 is on the minus strand). VCF-style: chr17-13005910-C-G. GRCh37 (hg19) VCF-style: chr17-12909227-C-G.
Other names: c.677+11G>C (NM_001165962.2); c.797+11G>C (NM_173717.2).
Identifiers: ClinVar variation 2081362 (VCV002081362.1), dbSNP rs761748475, ClinGen allele CA8401490.